The following is an entry in ClinVar:

NC_000002.11:g.(?_69583608)_(69583709_?)del

Gene: GFPT1 (glutamine--fructose-6-phosphate transaminase 1; minus strand). Cytogenetic location: 2p13.3.
Variant type: Deletion.
Identifiers: ClinVar variation 2424021 (VCV002424021.4).

ClinVar aggregate classification (germline): Pathogenic (1 of 4 stars; one submission).

Conditions:
Congenital myasthenic syndrome 12 (CMS12). Also called: Myasthenia, congenital, 12, with tubular aggregates; MYASTHENIC SYNDROME, CONGENITAL, WITH TUBULAR AGGREGATES 1. Identifiers: Orphanet 353327, Orphanet 590, MedGen C3552335, MONDO:0012518, OMIM 610542.

Submission:

Labcorp Genetics (formerly Invitae), Labcorp
Classification: Pathogenic for Congenital myasthenic syndrome 12. Last evaluated: 2022-12-02. Review status: criteria provided, single submitter. Criteria: Invitae Variant Classification Sherloc (09022015). Collection method: clinical testing. Allele origin: germline.
Comment: This variant is a gross deletion of the genomic region encompassing exon(s) 7 of the GFPT1 gene. This deletion is out-of-frame, and is expected to create a premature termination codon and result in an absent or disrupted protein product. Loss-of-function variants in GFPT1 are known to be pathogenic (PMID: 23794683). For these reasons, this variant has been classified as Pathogenic. This variant has not been reported in the literature in individuals affected with GFPT1-related conditions.

Literature cited by the submitters: PubMed 23794683.